The following is an entry in ClinVar:

ClinVar aggregate classification (germline): Benign/Likely benign. Review status: criteria provided, multiple submitters, no conflicts (2 of 4 stars). 5 submissions from 5 submitters: Benign (3); Likely benign (1). 1 of the submissions does not count toward it. Last evaluated 2025-11-12.

Conditions:
FUS-related disorder. Also called: FUS-related condition.
Amyotrophic lateral sclerosis type 6. Also called: Amyotrophic lateral sclerosis 6, with or without frontotemporal dementia; FUS-Related Amyotrophic Laterial Sclerosis; AMYOTROPHIC LATERAL SCLEROSIS 6 WITHOUT FRONTOTEMPORAL DEMENTIA. Identifiers: Orphanet 275872, Orphanet 803, MedGen C2931786, MONDO:0011951, OMIM 608030.
Tremor, hereditary essential, 4 (ETM4). Identifiers: MedGen C3539195, MONDO:0013888, OMIM 614782.
Inborn genetic diseases. Identifiers: MedGen C0950123, MeSH D030342.

Allele frequency attached by ClinVar (database versions not stated): ExAC 0.00029; ESP Exome Variant Server 0.00062; TOPMed 0.00074; 1000 Genomes Project 30x 0.00078; 1000 Genomes Project 0.00100.
gnomAD v4.1: 232 of 1,609,542 alleles (0.014%); highest among the groups gnomAD compares: African/African-American, 0.27%; no homozygotes.

Submissions (5):

Labcorp Genetics (formerly Invitae), Labcorp
Classification: Benign for Tremor, hereditary essential, 4; Amyotrophic lateral sclerosis type 6. Last evaluated: 2025-11-12. Review status: criteria provided, single submitter. Criteria: Invitae Variant Classification Sherloc (09022015). Collection method: clinical testing. Allele origin: germline.

Athena Diagnostics
Classification: Benign. Last evaluated: 2025-05-15. Review status: criteria provided, single submitter. Criteria: Athena Diagnostics Criteria. Collection method: clinical testing. Allele origin: unknown.
Comment: The frequency of this variant in the general population is higher than would generally be expected for pathogenic variants in this gene.

Mayo Clinic Laboratories, Mayo Clinic
Classification: Benign. Last evaluated: 2024-12-26. Review status: criteria provided, single submitter. Criteria: ACMG Guidelines, 2015. Collection method: clinical testing. Allele origin: germline. Observed: 1 variant allele.
Comment: BS1, BS2, BP4, BP7

Ambry Genetics
Classification: Likely benign for Inborn genetic diseases. Last evaluated: 2024-05-26. Review status: criteria provided, single submitter. Criteria: Ambry Variant Classification Scheme 2023. Collection method: clinical testing. Allele origin: germline.

PreventionGenetics, part of Exact Sciences
Classification: Likely benign for FUS-related condition. Last evaluated: 2022-04-12. Review status: no assertion criteria provided. Collection method: clinical testing. Allele origin: germline. Not counted in ClinVar's aggregate classification.
Comment: This variant is classified as likely benign based on ACMG/AMP sequence variant interpretation guidelines (Richards et al. 2015 PMID: 25741868, with internal and published modifications).

NM_004960.4(FUS):c.702C>T (p.Arg234=)

Gene: FUS (FUS RNA binding protein; plus strand). Cytogenetic location: 16p11.2.
Variant type: single nucleotide variant.
Coding change: c.702C>T on transcript NM_004960.4 (MANE Select); coding-DNA position 702, C replaced by T.
Protein change: p.Arg234=; no amino-acid change (arginine 234 retained).
Molecular consequence: synonymous variant. On other transcripts: non-coding transcript variant (1).
Genome position (GRCh38, 1-based): chr16:31,185,117, C>T. VCF-style: chr16-31185117-C-T. GRCh37 (hg19) VCF-style: chr16-31196438-C-T.
Other names: p.Arg234=; c.699C>T, p.Arg233= (NM_001170634.1); c.690C>T, p.Arg230= (NM_001170937.1).
Identifiers: ClinVar variation 705078 (VCV000705078.15), dbSNP rs149785330, ClinGen allele CA8023771.